The following is an entry in ClinVar:

ClinVar aggregate classification (germline): Uncertain significance (1 of 4 stars; one submission).

Conditions:
Hereditary sensory neuropathy-deafness-dementia syndrome. Also called: NEUROPATHY, HEREDITARY SENSORY, WITH HEARING LOSS AND DEMENTIA; Hereditary Sensory and Autonomic Neuropathy Type 1E (HSAN1E); Hereditary sensory neuropathy type IE; HSN IE. Identifiers: Orphanet 456318, MedGen C3279885, MONDO:0013584, OMIM 614116.

Allele frequency attached by ClinVar (database versions not stated): gnomAD exomes below 0.00001.
gnomAD v4.1: 1 of 1,613,810 alleles (0.000062%); highest among the groups gnomAD compares: Non-Finnish European, 0.000085%; no homozygotes.

Submission:

Labcorp Genetics (formerly Invitae), Labcorp
Classification: Uncertain significance for Hereditary sensory neuropathy-deafness-dementia syndrome. Last evaluated: 2023-10-24. Review status: criteria provided, single submitter. Criteria: Invitae Variant Classification Sherloc (09022015). Collection method: clinical testing. Allele origin: germline.
Comment: This sequence change replaces alanine, which is neutral and non-polar, with serine, which is neutral and polar, at codon 491 of the DNMT1 protein (p.Ala491Ser). This variant is not present in population databases (gnomAD no frequency). This variant has not been reported in the literature in individuals affected with DNMT1-related conditions. Advanced modeling of protein sequence and biophysical properties (such as structural, functional, and spatial information, amino acid conservation, physicochemical variation, residue mobility, and thermodynamic stability) performed at Invitae indicates that this missense variant is not expected to disrupt DNMT1 protein function with a negative predictive value of 80%. In summary, the available evidence is currently insufficient to determine the role of this variant in disease. Therefore, it has been classified as a Variant of Uncertain Significance.

NM_001130823.3(DNMT1):c.1471G>T (p.Ala491Ser)

Gene: DNMT1 (DNA methyltransferase 1; minus strand). Cytogenetic location: 19p13.2.
Variant type: single nucleotide variant.
Coding change: c.1471G>T on transcript NM_001130823.3 (MANE Select); coding-DNA position 1471, G replaced by T.
Protein change: p.Ala491Ser; replaces alanine 491 with serine.
Molecular consequence: missense variant.
Genome position (GRCh38, 1-based): chr19:10,155,874, C>A on the plus strand (G>T on the coding strand, the complement: DNMT1 is on the minus strand). VCF-style: chr19-10155874-C-A. GRCh37 (hg19) VCF-style: chr19-10266550-C-A.
Other names: c.1423G>T, p.Ala475Ser (NM_001318730.2, NM_001379.4); c.1108G>T, p.Ala370Ser (NM_001318731.2); short protein forms A370S, A475S, A491S.
Identifiers: ClinVar variation 2771648 (VCV002771648.3), dbSNP rs1487562713, ClinGen allele CA403937233.